The following is an entry in ClinVar:

NM_002439.5(MSH3):c.2318+2T>C

Gene: MSH3 (mutS homolog 3; plus strand). Cytogenetic location: 5q14.1.
Variant type: single nucleotide variant.
Coding change: c.2318+2T>C on transcript NM_002439.5 (MANE Select); the canonical splice donor site of the intron after coding-DNA position 2318, T replaced by C.
Molecular consequence: splice donor variant.
Genome position (GRCh38, 1-based): chr5:80,775,760, T>C. VCF-style: chr5-80775760-T-C. GRCh37 (hg19) VCF-style: chr5-80071579-T-C.
Identifiers: ClinVar variation 1789508 (VCV001789508.3), dbSNP rs2546777907, ClinGen allele CA360281053.

ClinVar aggregate classification (germline): Conflicting classifications of pathogenicity. Review status: criteria provided, conflicting classifications (1 of 4 stars). 2 submissions from 2 submitters: Likely pathogenic (1); Uncertain significance (1). Last evaluated 2024-11-01.

Conditions:
Familial adenomatous polyposis 4 (FAP4). Also called: MSH3-related attenuated familial adenomatous polyposis. Identifiers: Orphanet 480536, MedGen C4310719, MONDO:0044300, OMIM 617100.
Hereditary cancer-predisposing syndrome. Also called: Hereditary Cancer Syndrome; Hereditary neoplastic syndrome; Tumor predisposition; Neoplastic Syndromes, Hereditary. Identifiers: Orphanet 140162, MedGen C0027672, MeSH D009386, MONDO:0015356.

Submissions (2):

Myriad Genetics, Inc.
Classification: Likely pathogenic for Familial adenomatous polyposis 4. Last evaluated: 2024-11-01. Review status: criteria provided, single submitter. Criteria: Myriad Autosomal Dominant, Autosomal Recessive and X-Linked Classification Criteria (2023). Collection method: clinical testing. Allele origin: unknown.
Comment: This variant is considered likely pathogenic. This variant occurs within a consensus splice junction and is predicted to result in abnormal mRNA splicing of either an out-of-frame exon or an in-frame exon necessary for protein stability and/or normal function.

Ambry Genetics
Classification: Uncertain significance for Hereditary cancer-predisposing syndrome. Last evaluated: 2021-09-13. Review status: criteria provided, single submitter. Criteria: Ambry Variant Classification Scheme 2023. Collection method: clinical testing. Allele origin: germline.
Comment: The c.2318+2T>C intronic variant results from a T to C substitution two nucleotides after coding exon 16 in the MSH3 gene. This nucleotide position is highly conserved in available vertebrate species. In silico splice site analysis predicts that this alteration will weaken the native splice donor site. Alterations that disrupt the canonical splice site are expected to cause aberrant splicing, resulting in an abnormal protein or a transcript that is subject to nonsense-mediated mRNA decay; however, +2T>C alterations are capable of generating wild-type transcripts in some genomic contexts and should be interpreted with caution (Lin JH et al. Hum Mutat. 2019 10;40:1856-1873). This variant is considered to be rare based on population cohorts in the Genome Aggregation Database (gnomAD). Since supporting evidence is limited at this time, the clinical significance of this alteration remains unclear.